The following is an entry in ClinVar:

NM_006514.4(SCN10A):c.2762G>A (p.Gly921Asp)

Gene: SCN10A (sodium voltage-gated channel alpha subunit 10; minus strand). Cytogenetic location: 3p22.2.
Variant type: single nucleotide variant.
Coding change: c.2762G>A on transcript NM_006514.4 (MANE Select); coding-DNA position 2762, G replaced by A.
Protein change: p.Gly921Asp; replaces glycine 921 with aspartic acid.
Molecular consequence: missense variant.
Genome position (GRCh38, 1-based): chr3:38,726,931, C>T on the plus strand (G>A on the coding strand, the complement: SCN10A is on the minus strand). VCF-style: chr3-38726931-C-T. GRCh37 (hg19) VCF-style: chr3-38768422-C-T.
Other names: c.2762G>A, p.Gly921Asp (NM_001293306.2); c.2468G>A, p.Gly823Asp (NM_001293307.2); short protein forms G823D, G921D.
Identifiers: ClinVar variation 1795707 (VCV001795707.2), dbSNP rs2470672854, ClinGen allele CA352158642.

ClinVar aggregate classification (germline): Uncertain significance (1 of 4 stars; one submission).

Conditions:
Cardiovascular phenotype. Identifiers: MedGen CN230736.

Allele frequency attached by ClinVar (database versions not stated): gnomAD exomes below 0.00001.
gnomAD v4.1: 1 of 1,614,220 alleles (0.000062%); highest among the groups gnomAD compares: Admixed American, 0.0017%; no homozygotes.

Submission:

Ambry Genetics
Classification: Uncertain significance for Cardiovascular phenotype. Last evaluated: 2019-09-23. Review status: criteria provided, single submitter. Criteria: Ambry Variant Classification Scheme 2023. Collection method: clinical testing. Allele origin: germline.
Comment: The p.G921D variant (also known as c.2762G>A), located in coding exon 16 of the SCN10A gene, results from a G to A substitution at nucleotide position 2762. The glycine at codon 921 is replaced by aspartic acid, an amino acid with similar properties. This amino acid position is not well conserved in available vertebrate species. In addition, this alteration is predicted to be tolerated by in silico analysis. Since supporting evidence is limited at this time, the clinical significance of this alteration remains unclear.